The following is an entry in ClinVar:

ClinVar aggregate classification (germline): Uncertain significance (1 of 4 stars; one submission).

Allele frequency attached by ClinVar (database versions not stated): gnomAD exomes below 0.00001 and 0.00001; TOPMed 0.00001; ExAC 0.00002; gnomAD 0.00002; 1000 Genomes Project 30x 0.00031; 1000 Genomes Project 0.00040.
gnomAD v4.1: 8 of 1,608,278 alleles (0.0005%); highest among the groups gnomAD compares: African/African-American, 0.004%; no homozygotes.

Submission:

Labcorp Genetics (formerly Invitae), Labcorp
Classification: Uncertain significance. Last evaluated: 2024-11-12. Review status: criteria provided, single submitter. Criteria: Invitae Variant Classification Sherloc (09022015). Collection method: clinical testing. Allele origin: germline.
Comment: This sequence change replaces asparagine, which is neutral and polar, with serine, which is neutral and polar, at codon 44 of the IFNAR1 protein (p.Asn44Ser). This variant is present in population databases (rs139293982, gnomAD 0.01%). This variant has not been reported in the literature in individuals affected with IFNAR1-related conditions. ClinVar contains an entry for this variant (Variation ID: 1508375). An algorithm developed to predict the effect of missense changes on protein structure and function outputs the following: PolyPhen-2: "Benign". The serine amino acid residue is found in multiple mammalian species, which suggests that this missense change does not adversely affect protein function. In summary, the available evidence is currently insufficient to determine the role of this variant in disease. Therefore, it has been classified as a Variant of Uncertain Significance.

NM_000629.3(IFNAR1):c.131A>G (p.Asn44Ser)

Gene: IFNAR1 (interferon alpha and beta receptor subunit 1; plus strand). Cytogenetic location: 21q22.11.
Variant type: single nucleotide variant.
Coding change: c.131A>G on transcript NM_000629.3 (MANE Select); coding-DNA position 131, A replaced by G.
Protein change: p.Asn44Ser; replaces asparagine 44 with serine.
Molecular consequence: missense variant. On other transcripts: 5 prime UTR variant (3).
Genome position (GRCh38, 1-based): chr21:33,335,578, A>G. VCF-style: chr21-33335578-A-G. GRCh37 (hg19) VCF-style: chr21-34707884-A-G.
Other names: c.131A>G, p.Asn44Ser (NM_001384498.1, NM_001384499.1, NM_001384501.1 and 1 more transcripts); c.-656A>G (NM_001384500.1); c.-253A>G (NM_001384502.1); c.-77A>G (NM_001384504.1); short protein forms N44S.
Identifiers: ClinVar variation 1508375 (VCV001508375.6), dbSNP rs139293982, ClinGen allele CA10006396.